The following is an entry in ClinVar:

ClinVar aggregate classification (germline): Uncertain significance (1 of 4 stars; one submission).

Submission:

GeneDx
Classification: Uncertain significance. Last evaluated: 2024-01-04. Review status: criteria provided, single submitter. Criteria: GeneDx Variant Classification Process June 2021. Collection method: clinical testing. Allele origin: germline. Affected: yes.
Comment: Not observed at significant frequency in large population cohorts (gnomAD); In silico analysis supports that this missense variant does not alter protein structure/function; Has not been previously published as pathogenic or benign to our knowledge

NM_022455.5(NSD1):c.3493C>G (p.Gln1165Glu)

Gene: NSD1 (nuclear receptor binding SET domain protein 1; plus strand). Cytogenetic location: 5q35.3.
Variant type: single nucleotide variant.
Coding change: c.3493C>G on transcript NM_022455.5 (MANE Select); coding-DNA position 3493, C replaced by G.
Protein change: p.Gln1165Glu; replaces glutamine 1165 with glutamic acid.
Molecular consequence: missense variant.
Genome position (GRCh38, 1-based): chr5:177,211,892, C>G. VCF-style: chr5-177211892-C-G. GRCh37 (hg19) VCF-style: chr5-176638893-C-G.
Other names: c.2620C>G, p.Gln874Glu (NM_001365684.2, NM_001409306.1, NM_001409307.1 and 3 more transcripts); c.3493C>G, p.Gln1165Glu (NM_001409301.1, NM_001409302.1, NM_001409303.1); c.3073C>G, p.Gln1025Glu (NM_001409304.1); c.2740C>G, p.Gln914Glu (NM_001409305.1); short protein forms Q1025E, Q1165E, Q874E, Q914E.
Identifiers: ClinVar variation 3365314 (VCV003365314.1).